The following is an entry in ClinVar:

NM_001136035.4(TRMT1):c.1239G>A (p.Glu413=)

Gene: TRMT1 (tRNA methyltransferase 1; minus strand). Cytogenetic location: 19p13.13.
Variant type: single nucleotide variant.
Coding change: c.1239G>A on transcript NM_001136035.4 (MANE Select); coding-DNA position 1239, G replaced by A.
Protein change: p.Glu413=; no amino-acid change (glutamic acid 413 retained).
Molecular consequence: synonymous variant.
Genome position (GRCh38, 1-based): chr19:13,109,622, C>T on the plus strand (G>A on the coding strand, the complement: TRMT1 is on the minus strand). VCF-style: chr19-13109622-C-T. GRCh37 (hg19) VCF-style: chr19-13220436-C-T.
Other names: c.1152G>A, p.Glu384= (NM_001142554.3, NM_001351760.2); c.1131G>A, p.Glu377= (NM_001351761.2); c.456G>A, p.Glu152= (NM_001351762.2); c.1239G>A, p.Glu413= (NM_017722.5).
Identifiers: ClinVar variation 3778358 (VCV003778358.7).

ClinVar aggregate classification (germline): Likely benign (1 of 4 stars; one submission).

gnomAD v4.1: 10 of 1,613,990 alleles (0.00062%); highest among the groups gnomAD compares: Non-Finnish European, 0.00085%; no homozygotes.

Submission:

CeGaT Center for Human Genetics Tuebingen
Classification: Likely benign. Last evaluated: 2026-05-01. Review status: criteria provided, single submitter. Criteria: CeGaT Center For Human Genetics Tuebingen Variant Classification Criteria Version 2. Collection method: clinical testing. Allele origin: germline. Affected: yes. Observed: 2 variant alleles.
Comment: TRMT1: BP4, BP7